The following is an entry in ClinVar:

ClinVar aggregate classification (germline): Likely benign. Review status: criteria provided, multiple submitters, no conflicts (2 of 4 stars). 2 submissions from 2 submitters: Likely benign (2). Last evaluated 2025-12-08.

Conditions:
LEPR-related disorder. Also called: LEPR-related condition; LEPR-related disorders.

gnomAD v4.1: 17 of 1,613,212 alleles (0.0011%); highest among the groups gnomAD compares: Middle Eastern, 0.16%; no homozygotes.

Submissions (2):

Labcorp Genetics (formerly Invitae), Labcorp
Classification: Likely benign. Last evaluated: 2025-12-08. Review status: criteria provided, single submitter. Criteria: Invitae Variant Classification Sherloc (09022015). Collection method: clinical testing. Allele origin: germline.

PreventionGenetics, part of Exact Sciences
Classification: Likely benign for LEPR-related condition. Last evaluated: 2025-02-05. Review status: criteria provided, single submitter. Criteria: ACMG Guidelines, 2015. Collection method: clinical testing. Allele origin: germline.
Comment: This variant is classified as likely benign based on ACMG/AMP sequence variant interpretation guidelines (Richards et al. 2015 PMID: 25741868, with internal and published modifications).

NM_002303.6(LEPR):c.627C>A (p.Leu209=)

Gene: LEPR (leptin receptor; plus strand). Cytogenetic location: 1p31.3.
Variant type: single nucleotide variant.
Coding change: c.627C>A on transcript NM_002303.6 (MANE Select); coding-DNA position 627, C replaced by A.
Protein change: p.Leu209=; no amino-acid change (leucine 209 retained).
Molecular consequence: synonymous variant.
Genome position (GRCh38, 1-based): chr1:65,592,789, C>A. VCF-style: chr1-65592789-C-A. GRCh37 (hg19) VCF-style: chr1-66058472-C-A.
Other names: c.627C>A, p.Leu209= (NM_001003679.3, NM_001003680.3, NM_001198687.2 and 2 more transcripts).
Identifiers: ClinVar variation 4700451 (VCV004700451.2).